The following is an entry in ClinVar:

NM_007294.4(BRCA1):c.593+4A>T

Gene: BRCA1 (BRCA1 DNA repair associated; minus strand). Cytogenetic location: 17q21.31.
Variant type: single nucleotide variant.
Coding change: c.593+4A>T on transcript NM_007294.4 (MANE Select); 4 bases into the intron after coding-DNA position 593, A replaced by T.
Molecular consequence: intron variant.
Genome position (GRCh38, 1-based): chr17:43,097,240, T>A on the plus strand (A>T on the coding strand, the complement: BRCA1 is on the minus strand). VCF-style: chr17-43097240-T-A. GRCh37 (hg19) VCF-style: chr17-41249257-T-A.
Other names: c.545-2380A>T (NM_001408445.1, NM_001408432.1, NM_001407689.1 and 20 more transcripts); c.590+4A>T (NM_001408431.1, NM_001408424.1, NM_001408407.1 and 41 more transcripts); c.548-2380A>T (NM_001408443.1, NM_001408439.1, NM_001408425.1 and 34 more transcripts); c.593+4A>T (NM_001408419.1, NM_001408403.1, NM_001407983.1 and 59 more transcripts); c.167-2380A>T (NM_001407965.1, NM_001408512.1); c.404-2380A>T (NM_001407930.1, NM_001408504.1, NM_001407931.1 and 5 more transcripts); c.449+4A>T (NM_001407843.1, NM_001408465.1, NM_001408463.1 and 26 more transcripts); c.452+4A>T (NM_001408456.1, NM_001407733.1, NM_001407942.1 and 43 more transcripts); and 17 more.
Identifiers: ClinVar variation 3069988 (VCV003069988.5), dbSNP rs80358154, ClinGen allele CA772204357.
Genomic context (GRCh38, chr17:43,097,240, plus strand): 5'-AATCCTTAATATTAACTAAATAGGAAAATACCAGCTTCATAGACAAAGGTTCTCTTTGAC[T>A]CACCTGCAATAAGTTGCCTTATTAACGGTATCTTCAGAAGAATCAGATCCTAAAAAATTT-3'

ClinVar aggregate classification (germline): Uncertain significance. Review status: criteria provided, multiple submitters, no conflicts (2 of 4 stars). 4 submissions from 4 submitters: Uncertain significance (4). Last evaluated 2025-11-17.

Conditions:
Hereditary breast ovarian cancer syndrome. Also called: BRCA1- and BRCA2-Associated Hereditary Breast and Ovarian Cancer; Hereditary breast and ovarian cancer syndrome; Hereditary breast and ovarian cancer; Hereditary breast and ovarian cancer syndrome (HBOC); Breast and ovarian cancer; Hereditary breast and/or ovarian cancer syndrome. Identifiers: Orphanet 145, MedGen C0677776, MeSH D061325, MONDO:0003582. Disease mechanism: loss of function.
Hereditary cancer-predisposing syndrome. Also called: Tumor predisposition; Neoplastic Syndromes, Hereditary; Hereditary Cancer Syndrome; Hereditary neoplastic syndrome. Identifiers: Orphanet 140162, MedGen C0027672, MeSH D009386, MONDO:0015356.
Breast-ovarian cancer, familial, susceptibility to, 1 (BROVCA1). Also called: BRCA1 Hereditary Breast and Ovarian Cancer; OVARIAN CANCER, SUSCEPTIBILITY TO. Identifiers: Orphanet 145, MedGen C2676676, MONDO:0011450, OMIM 604370. Disease mechanism: loss of function.

Submissions (4):

Ambry Genetics
Classification: Uncertain significance for Hereditary cancer-predisposing syndrome. Last evaluated: 2025-11-17. Review status: criteria provided, single submitter. Criteria: Ambry Variant Classification Scheme 2023. Collection method: clinical testing. Allele origin: germline.
Comment: The c.593+4A>T intronic variant results from an A to T substitution 4 nucleotides after coding exon 7 in the BRCA1 gene. This nucleotide position is highly conserved in available vertebrate species. In silico splice site analysis predicts that this alteration will weaken the native splice donor site. Based on the available evidence, the clinical significance of this variant remains unclear.

Labcorp Genetics (formerly Invitae), Labcorp
Classification: Uncertain significance for Hereditary breast ovarian cancer syndrome. Last evaluated: 2025-04-23. Review status: criteria provided, single submitter. Criteria: Invitae Variant Classification Sherloc (09022015). Collection method: clinical testing. Allele origin: germline.
Comment: This sequence change falls in intron 8 of the BRCA1 gene. It does not directly change the encoded amino acid sequence of the BRCA1 protein. It affects a nucleotide within the consensus splice site. This variant is not present in population databases (gnomAD no frequency). This variant has not been reported in the literature in individuals affected with BRCA1-related conditions. ClinVar contains an entry for this variant (Variation ID: 3069988). Variants that disrupt the consensus splice site are a relatively common cause of aberrant splicing (PMID: 17576681, 9536098). Algorithms developed to predict the effect of sequence changes on RNA splicing suggest that this variant may disrupt the consensus splice site. In summary, the available evidence is currently insufficient to determine the role of this variant in disease. Therefore, it has been classified as a Variant of Uncertain Significance.

Dasa
Classification: Uncertain significance for Breast-ovarian cancer, familial, susceptibility to, 1. Last evaluated: 2025-03-23. Review status: criteria provided, single submitter. Criteria: DASA Assertion Criteria. Collection method: clinical testing. Allele origin: germline.
Comment: NM_007294.4(BRCA1):c.593+4A>T is a splice-region variant predicted to affect normal RNA splicing. This variant is absent from population databases. Computational prediction algorithms are consistent with a deleterious effect. The currently available literature and clinical evidence are not sufficient to establish a definitive association between this variant and the reported condition. Therefore, this variant is classified as a variant of uncertain significance.

All of Us Research Program, National Institutes of Health
Classification: Uncertain significance for Breast-ovarian cancer, familial, susceptibility to, 1. Last evaluated: 2023-03-23. Review status: criteria provided, single submitter. Criteria: ACMG Guidelines, 2015. Collection method: clinical testing. Allele origin: germline. Inheritance: Autosomal dominant inheritance. Observed: 1 variant allele, 1 heterozygote.
Comment: This variant causes an A to T nucleotide substitution at the +4 position of intron 8 of the BRCA1 gene. Splice site prediction tools predict that this variant may have a significant impact on RNA splicing, although this prediction has not been confirmed in published RNA studies. To our knowledge, functional studies have not been reported for this variant. This variant has not been reported in individuals affected with BRCA1-related disorders in the literature. This variant has not been identified in the general population by the Genome Aggregation Database (gnomAD). The available evidence is insufficient to determine the role of this variant in disease conclusively. Therefore, this variant is classified as a Variant of Uncertain Significance.

This study involves interpretation of variants in research participants for the purpose of population health screening. Participant phenotype was not available at the time of variant classification. Additional details can be found in publication PMID: 35346344, PMCID: PMC8962531

Literature cited by the submitters: PubMed 17576681 (cited by Labcorp Genetics (formerly Invitae), Labcorp); PubMed 9536098 (cited by Labcorp Genetics (formerly Invitae), Labcorp).